The following is an entry in ClinVar:

NM_015072.5(TTLL5):c.3834C>A (p.His1278Gln)

Gene: TTLL5 (tubulin tyrosine ligase like 5; plus strand). Cytogenetic location: 14q24.3.
Variant type: single nucleotide variant.
Coding change: c.3834C>A on transcript NM_015072.5 (MANE Select); coding-DNA position 3834, C replaced by A.
Protein change: p.His1278Gln; replaces histidine 1278 with glutamine.
Molecular consequence: missense variant.
Genome position (GRCh38, 1-based): chr14:75,954,434, C>A. VCF-style: chr14-75954434-C-A. GRCh37 (hg19) VCF-style: chr14-76420777-C-A.
Other names: short protein forms H1278Q.
Identifiers: ClinVar variation 956030 (VCV000956030.7), dbSNP rs1398956929, ClinGen allele CA390466180.

ClinVar aggregate classification (germline): Uncertain significance (1 of 4 stars; one submission).

gnomAD v4.1: 2 of 1,614,040 alleles (0.00012%); highest among the groups gnomAD compares: African/African-American, 0.0027%; no homozygotes.

Submission:

Labcorp Genetics (formerly Invitae), Labcorp
Classification: Uncertain significance. Last evaluated: 2020-10-08. Review status: criteria provided, single submitter. Criteria: Invitae Variant Classification Sherloc (09022015). Collection method: clinical testing. Allele origin: germline.
Comment: In summary, the available evidence is currently insufficient to determine the role of this variant in disease. Therefore, it has been classified as a Variant of Uncertain Significance. Algorithms developed to predict the effect of missense changes on protein structure and function (SIFT, PolyPhen-2, Align-GVGD) all suggest that this variant is likely to be tolerated, but these predictions have not been confirmed by published functional studies and their clinical significance is uncertain. This variant has not been reported in the literature in individuals with TTLL5-related conditions. This variant is not present in population databases (ExAC no frequency). This sequence change replaces histidine with glutamine at codon 1278 of the TTLL5 protein (p.His1278Gln). The histidine residue is weakly conserved and there is a small physicochemical difference between histidine and glutamine.